The following is an entry in ClinVar:

ClinVar aggregate classification (germline): Uncertain significance. Review status: criteria provided, multiple submitters, no conflicts (2 of 4 stars). 3 submissions from 3 submitters: Uncertain significance (3). Last evaluated 2025-05-08.

Conditions:
Familial thoracic aortic aneurysm and aortic dissection (TAAD). Also called: Thoracic aortic aneurysms and dissections. Identifiers: Orphanet 91387, MedGen C4707243, MONDO:0019625.
Ehlers-Danlos syndrome, type 4 (EDSVASC). Also called: Ehlers-Danlos Syndrome Type IV; Ehlers-Danlos syndrome vascular type; Ehlers Danlos syndrome, ecchymotic type; Ehlers Danlos syndrome, arterial type; Ehlers Danlos syndrome, Sack-Barabas type. Identifiers: Orphanet 286, MedGen C0268338, MONDO:0017314, OMIM 130050.

Allele frequency attached by ClinVar (database versions not stated): gnomAD exomes below 0.00001.
gnomAD v4.1: 2 of 1,614,152 alleles (0.00012%); highest among the groups gnomAD compares: Non-Finnish European, 0.00017%; no homozygotes.

Submissions (3):

GeneDx
Classification: Uncertain significance. Last evaluated: 2025-05-08. Review status: criteria provided, single submitter. Criteria: GeneDx Variant Classification Process June 2021. Collection method: clinical testing. Allele origin: germline. Affected: yes.
Comment: Not observed at significant frequency in large population cohorts (gnomAD); In silico analysis suggests that this missense variant does not alter protein structure/function; Not located in the triple helical region, where the majority of pathogenic missense variants occur (HGMD); Has not been previously published as pathogenic or benign to our knowledge

Color Diagnostics, LLC DBA Color Health
Classification: Uncertain significance for Familial thoracic aortic aneurysm and aortic dissection. Last evaluated: 2024-03-06. Review status: criteria provided, single submitter. Criteria: ACMG Guidelines, 2015. Collection method: clinical testing. Allele origin: germline.
Comment: This missense variant replaces phenylalanine with leucine at codon 1267 of the COL3A1 protein. Computational prediction suggests that this variant may not impact protein structure and function (internally defined REVEL score threshold <= 0.5, PMID: 27666373). To our knowledge, functional studies have not been reported for this variant. This variant has not been reported in individuals affected with COL3A1-related disorders in the literature. This variant has not been identified in the general population by the Genome Aggregation Database (gnomAD). The available evidence is insufficient to determine the role of this variant in disease conclusively. Therefore, this variant is classified as a Variant of Uncertain Significance.

All of Us Research Program, National Institutes of Health
Classification: Uncertain significance for Ehlers-Danlos syndrome, type 4. Last evaluated: 2023-09-17. Review status: criteria provided, single submitter. Criteria: ACMG Guidelines, 2015. Collection method: clinical testing. Allele origin: germline. Inheritance: Autosomal dominant inheritance. Observed: 1 variant allele, 1 heterozygote.
Comment: This missense variant replaces phenylalanine with leucine at codon 1267 of the COL3A1 protein. Computational prediction suggests that this variant may not impact protein structure and function (internally defined REVEL score threshold <= 0.5, PMID: 27666373). Splice site prediction tools suggest that this variant may not impact RNA splicing. To our knowledge, functional studies have not been performed for this variant. This variant has not been reported in individuals affected with cardiovascular disorders in the literature. This variant has not been identified in the general population by the Genome Aggregation Database (gnomAD). The available evidence is insufficient to determine the role of this variant in disease conclusively. Therefore, this variant is classified as a Variant of Uncertain Significance.

This study involves interpretation of variants in research participants for the purpose of population health screening. Participant phenotype was not available at the time of variant classification. Additional details can be found in publication PMID: 35346344, PMCID: PMC8962531

NM_000090.4(COL3A1):c.3801C>G (p.Phe1267Leu)

Gene: COL3A1 (collagen type III alpha 1 chain; plus strand). Cytogenetic location: 2q32.2.
Variant type: single nucleotide variant.
Coding change: c.3801C>G on transcript NM_000090.4 (MANE Select); coding-DNA position 3801, C replaced by G.
Protein change: p.Phe1267Leu; replaces phenylalanine 1267 with leucine.
Molecular consequence: missense variant.
Genome position (GRCh38, 1-based): chr2:189,009,199, C>G. VCF-style: chr2-189009199-C-G. GRCh37 (hg19) VCF-style: chr2-189873925-C-G.
Other names: short protein forms F1267L.
Identifiers: ClinVar variation 924719 (VCV000924719.7), dbSNP rs1042884028, ClinGen allele CA62563099.